The following is an entry in ClinVar:

NM_003924.4(PHOX2B):c.680C>G (p.Ala227Gly)

Gene: PHOX2B (paired like homeobox 2B; minus strand). Cytogenetic location: 4p13.
Variant type: single nucleotide variant.
Coding change: c.680C>G on transcript NM_003924.4 (MANE Select); coding-DNA position 680, C replaced by G.
Protein change: p.Ala227Gly; replaces alanine 227 with glycine.
Molecular consequence: missense variant.
Genome position (GRCh38, 1-based): chr4:41,746,072, G>C on the plus strand (C>G on the coding strand, the complement: PHOX2B is on the minus strand). VCF-style: chr4-41746072-G-C. GRCh37 (hg19) VCF-style: chr4-41748089-G-C.
Other names: short protein forms A227G.
Identifiers: ClinVar variation 467736 (VCV000467736.14), dbSNP rs779913205, ClinGen allele CA2901454.
Genomic context (GRCh38, chr4:41,746,072, plus strand): 5'-GCCGCCGCCGCTGCTGCTGCGCCGCCCTTGCCGGGTTCGCCTCCCGGGCCCCCGGGCCCC[G>C]CCGCCCCCGGAGCTCCAGCCGGGCTGGGCCCGCCGCCGCCGCCTCCATTCGCCCCGCAGC-3'
Protein context (NP_003915.2, residues 217-237): GPSPAGAPGA[Ala227Gly]GPGGPGGEPG

ClinVar aggregate classification (germline): Uncertain significance. Review status: criteria provided, multiple submitters, no conflicts (2 of 4 stars). 2 submissions from 2 submitters: Uncertain significance (2). Last evaluated 2025-12-11.

Conditions:
Hereditary cancer-predisposing syndrome. Also called: Neoplastic Syndromes, Hereditary; Tumor predisposition; Hereditary Cancer Syndrome; Hereditary neoplastic syndrome. Identifiers: Orphanet 140162, MedGen C0027672, MeSH D009386, MONDO:0015356.
Haddad syndrome (OHD). Also called: Ondine-Hirschsprung disease. Identifiers: Orphanet 99803, MedGen C1859049, MONDO:0020493.

Allele frequency attached by ClinVar (database versions not stated): gnomAD 0.00001; TOPMed 0.00001.

Submissions (2):

Ambry Genetics
Classification: Uncertain significance for Hereditary cancer-predisposing syndrome. Last evaluated: 2025-12-11. Review status: criteria provided, single submitter. Criteria: Ambry Variant Classification Scheme 2023. Collection method: clinical testing. Allele origin: germline.

Labcorp Genetics (formerly Invitae), Labcorp
Classification: Uncertain significance for Haddad syndrome. Last evaluated: 2023-07-17. Review status: criteria provided, single submitter. Criteria: Invitae Variant Classification Sherloc (09022015). Collection method: clinical testing. Allele origin: germline.
Comment: In summary, the available evidence is currently insufficient to determine the role of this variant in disease. Therefore, it has been classified as a Variant of Uncertain Significance. Advanced modeling of protein sequence and biophysical properties (such as structural, functional, and spatial information, amino acid conservation, physicochemical variation, residue mobility, and thermodynamic stability) performed at Invitae indicates that this missense variant is not expected to disrupt PHOX2B protein function. ClinVar contains an entry for this variant (Variation ID: 467736). This variant has not been reported in the literature in individuals affected with PHOX2B-related conditions. This variant is present in population databases (rs779913205, gnomAD 0.05%). This sequence change replaces alanine, which is neutral and non-polar, with glycine, which is neutral and non-polar, at codon 227 of the PHOX2B protein (p.Ala227Gly).